The following is an entry in ClinVar:

NM_000059.4(BRCA2):c.1322C>A (p.Thr441Asn)

Gene: BRCA2 (BRCA2 DNA repair associated; plus strand). Cytogenetic location: 13q13.1.
Variant type: single nucleotide variant.
Coding change: c.1322C>A on transcript NM_000059.4 (MANE Select); coding-DNA position 1322, C replaced by A.
Protein change: p.Thr441Asn; replaces threonine 441 with asparagine.
Molecular consequence: missense variant.
Genome position (GRCh38, 1-based): chr13:32,332,800, C>A. VCF-style: chr13-32332800-C-A. GRCh37 (hg19) VCF-style: chr13-32906937-C-A.
Other names: short protein forms T441N.
Identifiers: ClinVar variation 629200 (VCV000629200.10), dbSNP rs1064793062, ClinGen allele CA387762655.
Genomic context (GRCh38, chr13:32,332,800, plus strand): 5'-AAAATATTTCAGAAAAAGACCTATTAGACACAGAGAACAAAAGAAAGAAAGATTTTCTTA[C>A]TTCAGAGAATTCTTTGCCACGTATTTCTAGCCTACCAAAATCAGAGAAGCCATTAAATGA-3'
Protein context (NP_000050.3, residues 431-451): TENKRKKDFL[Thr441Asn]SENSLPRISS

ClinVar aggregate classification (germline): Conflicting classifications of pathogenicity. Review status: criteria provided, conflicting classifications (1 of 4 stars). 5 submissions from 5 submitters: Uncertain significance (2); Likely benign (2). 1 of the submissions does not count toward it. Last evaluated 2026-06-04.

Conditions:
Hereditary cancer-predisposing syndrome. Also called: Tumor predisposition; Hereditary Cancer Syndrome; Neoplastic Syndromes, Hereditary; Hereditary neoplastic syndrome. Identifiers: Orphanet 140162, MedGen C0027672, MeSH D009386, MONDO:0015356.
Hereditary breast ovarian cancer syndrome. Also called: Hereditary breast and ovarian cancer; Hereditary breast and ovarian cancer syndrome (HBOC); Hereditary breast and ovarian cancer syndrome; Breast and ovarian cancer; Hereditary breast and/or ovarian cancer syndrome; BRCA1- and BRCA2-Associated Hereditary Breast and Ovarian Cancer. Identifiers: Orphanet 145, MedGen C0677776, MeSH D061325, MONDO:0003582. Disease mechanism: loss of function.
Breast-ovarian cancer, familial, susceptibility to, 2 (BROVCA2). Also called: BRCA2 Hereditary Breast and Ovarian Cancer. Identifiers: Orphanet 145, MedGen C2675520, MONDO:0012933, OMIM 612555. Disease mechanism: loss of function.

Submissions (5):

Ambry Genetics
Classification: Likely benign for Hereditary cancer-predisposing syndrome. Last evaluated: 2026-06-04. Review status: criteria provided, single submitter. Criteria: Ambry Variant Classification Scheme 2023. Collection method: clinical testing. Allele origin: germline.

Labcorp Genetics (formerly Invitae), Labcorp
Classification: Uncertain significance for Hereditary breast ovarian cancer syndrome. Last evaluated: 2023-03-31. Review status: criteria provided, single submitter. Criteria: Invitae Variant Classification Sherloc (09022015). Collection method: clinical testing. Allele origin: germline.
Comment: This variant is not present in population databases (gnomAD no frequency). This sequence change replaces threonine, which is neutral and polar, with asparagine, which is neutral and polar, at codon 441 of the BRCA2 protein (p.Thr441Asn). This variant has not been reported in the literature in individuals affected with BRCA2-related conditions. In summary, the available evidence is currently insufficient to determine the role of this variant in disease. Therefore, it has been classified as a Variant of Uncertain Significance. Advanced modeling of protein sequence and biophysical properties (such as structural, functional, and spatial information, amino acid conservation, physicochemical variation, residue mobility, and thermodynamic stability) performed at Invitae indicates that this missense variant is not expected to disrupt BRCA2 protein function. ClinVar contains an entry for this variant (Variation ID: 629200).

University of Washington Department of Laboratory Medicine, University of Washington
Classification: Likely benign for Hereditary cancer-predisposing syndrome. Last evaluated: 2023-03-23. Review status: criteria provided, single submitter. Criteria: Dines et al. (Genet Med. 2020). Collection method: curation. Allele origin: germline.
Comment: Missense variant in a coldspot region where missense variants are very unlikely to be pathogenic (PMID:31911673).

BRCA2 exon 10 coldspot. Reclassification based on statistical prior probability.

Color Diagnostics, LLC DBA Color Health
Classification: Uncertain significance for Hereditary cancer-predisposing syndrome. Last evaluated: 2019-04-28. Review status: criteria provided, single submitter. Criteria: ACMG Guidelines, 2015. Collection method: clinical testing. Allele origin: germline.

BRCAlab, Lund University
Classification: Uncertain significance for Breast-ovarian cancer, familial, susceptibility to, 2. Last evaluated: 2020-03-02. Review status: no assertion criteria provided. Collection method: clinical testing. Allele origin: germline. Affected: yes. Not counted in ClinVar's aggregate classification.